The following is an entry in ClinVar:

NM_001792.5(CDH2):c.2426T>C (p.Met809Thr)

Genes: CDH2 (cadherin 2; minus strand), CDH2-AS1 (CDH2 antisense RNA 1; plus strand). Cytogenetic location: 18q12.1.
Variant type: single nucleotide variant.
Coding change: c.2426T>C on transcript NM_001792.5 (MANE Select); coding-DNA position 2426, T replaced by C.
Protein change: p.Met809Thr; replaces methionine 809 with threonine.
Molecular consequence: missense variant.
Genome position (GRCh38, 1-based): chr18:27,963,445, A>G on the plus strand (T>C on the coding strand, the complement: CDH2 is on the minus strand). VCF-style: chr18-27963445-A-G. GRCh37 (hg19) VCF-style: chr18-25543409-A-G.
Other names: c.2333T>C, p.Met778Thr (NM_001308176.2); short protein forms M778T, M809T.
Identifiers: ClinVar variation 3998903 (VCV003998903.2).

ClinVar aggregate classification (germline): Uncertain significance. Review status: criteria provided, multiple submitters, no conflicts (2 of 4 stars). 2 submissions from 2 submitters: Uncertain significance (2). Last evaluated 2025-12-21.

Conditions:
Inborn genetic diseases. Identifiers: MedGen C0950123, MeSH D030342.

gnomAD v4.1: 4 of 1,614,094 alleles (0.00025%); highest among the groups gnomAD compares: Non-Finnish European, 0.00034%; no homozygotes.

Submissions (2):

Labcorp Genetics (formerly Invitae), Labcorp
Classification: Uncertain significance. Last evaluated: 2025-12-21. Review status: criteria provided, single submitter. Criteria: Invitae Variant Classification Sherloc (09022015). Collection method: clinical testing. Allele origin: germline.
Comment: This sequence change replaces methionine, which is neutral and non-polar, with threonine, which is neutral and polar, at codon 809 of the CDH2 protein (p.Met809Thr). This variant is present in population databases (rs754029821, gnomAD 0.0009%). This variant has not been reported in the literature in individuals affected with CDH2-related conditions. ClinVar contains an entry for this variant (Variation ID: 3998903). An algorithm developed to predict the effect of missense changes on protein structure and function (PolyPhen-2) suggests that this variant is likely to be tolerated. In summary, the available evidence is currently insufficient to determine the role of this variant in disease. Therefore, it has been classified as a Variant of Uncertain Significance.

Ambry Genetics
Classification: Uncertain significance for Inborn genetic diseases. Last evaluated: 2025-05-08. Review status: criteria provided, single submitter. Criteria: Ambry Variant Classification Scheme 2023. Collection method: clinical testing. Allele origin: germline.
Comment: The p.M809T variant (also known as c.2426T>C), located in coding exon 15 of the CDH2 gene, results from a T to C substitution at nucleotide position 2426. The methionine at codon 809 is replaced by threonine, an amino acid with similar properties. This amino acid position is conserved. In addition, this alteration is predicted to be tolerated by in silico analysis. Based on the available evidence, the clinical significance of this variant remains unclear.